The following is an entry in ClinVar:

ClinVar aggregate classification (germline): Benign (1 of 4 stars; one submission).

Allele frequency attached by ClinVar (database versions not stated): ESP Exome Variant Server 0.02650; 1000 Genomes Project 30x 0.31730; TOPMed 0.32208; 1000 Genomes Project 0.32448; gnomAD 0.34320; gnomAD exomes 0.40982.
gnomAD v4.1: 622,900 of 1,547,278 alleles (40%); highest among the groups gnomAD compares: South Asian, 58%; 131,141 homozygotes.

Submission:

Unidad de Genómica Garrahan, Hospital de Pediatría Garrahan
Classification: Benign. Last evaluated: 2023-11-12. Review status: criteria provided, single submitter. Criteria: ACMG Guidelines, 2015. Collection method: clinical testing. Allele origin: germline. Affected: no. Observed: 53 variant alleles.
Comment: This variant is classified as Benign based on local population frequency. This variant was detected in 55% of patients studied by a panel of primary immunodeficiencies. Number of patients: 53. Only high quality variants are reported.

NM_012275.3(IL36RN):c.-27-47A>C

Gene: IL36RN (interleukin 36 receptor antagonist; plus strand). Cytogenetic location: 2q14.1.
Variant type: single nucleotide variant.
Coding change: c.-27-47A>C on transcript NM_012275.3 (MANE Select); 47 bases into the intron before 27 bases upstream of the start codon, A replaced by C.
Molecular consequence: intron variant.
Genome position (GRCh38, 1-based): chr2:113,059,365, A>C. VCF-style: chr2-113059365-A-C. GRCh37 (hg19) VCF-style: chr2-113816942-A-C.
Other names: c.-27-47A>C (NM_173170.1).
Identifiers: ClinVar variation 2628159 (VCV002628159.2), dbSNP rs2278717, ClinGen allele CA11025249.
Genomic context (GRCh38, chr2:113,059,365, plus strand): 5'-GTGGAGGCTGTTCACATGCTGGGGAGCTCGGTGCAGCTGCTTGCTCCCCAGACCCCAGCC[A>C]ACTCAGCCTCTCTCTCCATGATTTTCTGTTGTTTATTCCAAAATAGGGGAGTCTACACCC-3'